The following is an entry in ClinVar:

ClinVar aggregate classification (germline): Uncertain significance (1 of 4 stars; one submission).

Conditions:
Hypertrophic cardiomyopathy. Also called: HYPERTROPHIC MYOCARDIOPATHY. Identifiers: Orphanet 217569, MedGen C0007194, MeSH D002312, MONDO:0005045, HP:0001639.

Submission:

Labcorp Genetics (formerly Invitae), Labcorp
Classification: Uncertain significance for Hypertrophic cardiomyopathy. Last evaluated: 2022-03-28. Review status: criteria provided, single submitter. Criteria: Invitae Variant Classification Sherloc (09022015). Collection method: clinical testing. Allele origin: germline.
Comment: In summary, the available evidence is currently insufficient to determine the role of this variant in disease. Therefore, it has been classified as a Variant of Uncertain Significance. Algorithms developed to predict the effect of sequence changes on RNA splicing suggest that this variant may disrupt the consensus splice site. This variant has not been reported in the literature in individuals affected with MYOM1-related conditions. This variant is not present in population databases (gnomAD no frequency). This sequence change falls in intron 37 of the MYOM1 gene. It does not directly change the encoded amino acid sequence of the MYOM1 protein.

NM_003803.4(MYOM1):c.4765-12C>G

Gene: MYOM1 (myomesin 1; minus strand). Cytogenetic location: 18p11.31.
Variant type: single nucleotide variant.
Coding change: c.4765-12C>G on transcript NM_003803.4 (MANE Select); 12 bases into the intron before coding-DNA position 4765, C replaced by G.
Molecular consequence: intron variant.
Genome position (GRCh38, 1-based): chr18:3,067,567, G>C on the plus strand (C>G on the coding strand, the complement: MYOM1 is on the minus strand). VCF-style: chr18-3067567-G-C. GRCh37 (hg19) VCF-style: chr18-3067565-G-C.
Other names: c.4477-12C>G (NM_019856.2).
Identifiers: ClinVar variation 2118677 (VCV002118677.4), dbSNP rs2510433697, ClinGen allele CA2580095418.